The following is an entry in ClinVar:

ClinVar aggregate classification (germline): Uncertain significance (1 of 4 stars; one submission).

Conditions:
Nephronophthisis. Also called: Juvenile Nephronophthisis. Identifiers: Orphanet 655, MedGen C0687120, MONDO:0019005, HP:0000090.

Submission:

Labcorp Genetics (formerly Invitae), Labcorp
Classification: Uncertain significance for Nephronophthisis. Last evaluated: 2022-06-28. Review status: criteria provided, single submitter. Criteria: Invitae Variant Classification Sherloc (09022015). Collection method: clinical testing. Allele origin: germline.
Comment: This sequence change replaces alanine, which is neutral and non-polar, with threonine, which is neutral and polar, at codon 280 of the NPHP3 protein (p.Ala280Thr). This variant is not present in population databases (gnomAD no frequency). This variant has not been reported in the literature in individuals affected with NPHP3-related conditions. Algorithms developed to predict the effect of missense changes on protein structure and function (SIFT, PolyPhen-2, Align-GVGD) all suggest that this variant is likely to be disruptive. In summary, the available evidence is currently insufficient to determine the role of this variant in disease. Therefore, it has been classified as a Variant of Uncertain Significance.

NM_153240.5(NPHP3):c.838G>A (p.Ala280Thr)

Genes: NPHP3 (nephrocystin 3; minus strand), NPHP3-ACAD11 (NPHP3-ACAD11 readthrough (NMD candidate); minus strand). Cytogenetic location: 3q22.1.
Variant type: single nucleotide variant.
Coding change: c.838G>A on transcript NM_153240.5 (MANE Select); coding-DNA position 838, G replaced by A.
Protein change: p.Ala280Thr; replaces alanine 280 with threonine.
Molecular consequence: missense variant. On other transcripts: non-coding transcript variant (1).
Genome position (GRCh38, 1-based): chr3:132,715,204, C>T on the plus strand (G>A on the coding strand, the complement: NPHP3 is on the minus strand). VCF-style: chr3-132715204-C-T. GRCh37 (hg19) VCF-style: chr3-132434048-C-T.
Other names: short protein forms A280T.
Identifiers: ClinVar variation 1379807 (VCV001379807.6), dbSNP rs2107998548, ClinGen allele CA354586275.